The following is an entry in ClinVar:

NM_024675.4(PALB2):c.2004G>T (p.Met668Ile)

Gene: PALB2 (partner and localizer of BRCA2; minus strand). Cytogenetic location: 16p12.2.
Variant type: single nucleotide variant.
Coding change: c.2004G>T on transcript NM_024675.4 (MANE Select); coding-DNA position 2004, G replaced by T.
Protein change: p.Met668Ile; replaces methionine 668 with isoleucine.
Molecular consequence: missense variant.
Genome position (GRCh38, 1-based): chr16:23,630,150, C>A on the plus strand (G>T on the coding strand, the complement: PALB2 is on the minus strand). VCF-style: chr16-23630150-C-A. GRCh37 (hg19) VCF-style: chr16-23641471-C-A.
Other names: short protein forms M668I.
Identifiers: ClinVar variation 1465331 (VCV001465331.9), dbSNP rs2142383719, ClinGen allele CA395127145.

ClinVar aggregate classification (germline): Uncertain significance (1 of 4 stars; one submission).

Conditions:
Familial cancer of breast. Also called: Hereditary breast cancer; hereditary breast carcinoma; BREAST CANCER, FAMILIAL. Identifiers: Orphanet 227535, MedGen C0346153, MONDO:0016419, OMIM 114480. Disease mechanism: loss of function.

Submission:

Labcorp Genetics (formerly Invitae), Labcorp
Classification: Uncertain significance for Familial cancer of breast. Last evaluated: 2021-06-17. Review status: criteria provided, single submitter. Criteria: Invitae Variant Classification Sherloc (09022015). Collection method: clinical testing. Allele origin: germline.
Comment: In summary, the available evidence is currently insufficient to determine the role of this variant in disease. Therefore, it has been classified as a Variant of Uncertain Significance. Algorithms developed to predict the effect of missense changes on protein structure and function (SIFT, PolyPhen-2, Align-GVGD) all suggest that this variant is likely to be tolerated, but these predictions have not been confirmed by published functional studies and their clinical significance is uncertain. This variant has not been reported in the literature in individuals with PALB2-related conditions. This variant is not present in population databases (ExAC no frequency). This sequence change replaces methionine with isoleucine at codon 668 of the PALB2 protein (p.Met668Ile). The methionine residue is weakly conserved and there is a small physicochemical difference between methionine and isoleucine.